The following is an entry in ClinVar:

ClinVar aggregate classification (germline): Benign/Likely benign. Review status: criteria provided, multiple submitters, no conflicts (2 of 4 stars). 5 submissions from 5 submitters: Benign (1); Likely benign (1). 3 of the submissions do not count toward it. Last evaluated 2024-11-25.

Conditions:
CACNB2-related disorder. Also called: CACNB2-related condition.

Submissions (5):

Blueprint Genetics
Classification: Likely benign. Last evaluated: 2024-11-25. Review status: criteria provided, single submitter. Criteria: ACMG Guidelines, 2015. Collection method: clinical testing. Allele origin: germline.

CeGaT Center for Human Genetics Tuebingen
Classification: Benign. Last evaluated: 2023-01-01. Review status: criteria provided, single submitter. Criteria: CeGaT Center For Human Genetics Tuebingen Variant Classification Criteria Version 2. Collection method: clinical testing. Allele origin: germline. Affected: yes. Observed: 1 variant allele.
Comment: CACNB2: BS1, BS2

PreventionGenetics, part of Exact Sciences
Classification: Likely benign for CACNB2-related condition. Last evaluated: 2020-03-11. Review status: no assertion criteria provided. Collection method: clinical testing. Allele origin: germline. Not counted in ClinVar's aggregate classification.
Comment: This variant is classified as likely benign based on ACMG/AMP sequence variant interpretation guidelines (Richards et al. 2015 PMID: 25741868, with internal and published modifications).

Clinical Genetics, Academic Medical Center
Classification: Benign. Review status: no assertion criteria provided. Collection method: clinical testing. Allele origin: germline. Affected: yes. Study: VKGL Data-share Consensus. Not counted in ClinVar's aggregate classification.

Joint Genome Diagnostic Labs from Nijmegen and Maastricht, Radboudumc and MUMC+
Classification: Likely benign. Review status: no assertion criteria provided. Collection method: clinical testing. Allele origin: germline. Affected: yes. Study: VKGL Data-share Consensus. Not counted in ClinVar's aggregate classification.

NM_201596.3(CACNB2):c.121-3_121-2insTGT

Gene: CACNB2 (calcium voltage-gated channel auxiliary subunit beta 2; plus strand). Cytogenetic location: 10p12.33.
Variant type: Insertion.
Coding change: c.121-3_121-2insTGT on transcript NM_201596.3 (MANE Select); 3 bases into the intron before coding-DNA position 121 through the canonical splice acceptor site of the intron before coding-DNA position 121, TGT inserted.
Molecular consequence: intron variant.
Genome position: GRCh38 VCF-style: chr10-18150879-T-TTTG. GRCh37 (hg19) VCF-style: chr10-18439808-T-TTTG.
Other names: c.37-3_37-2insTGT (NM_201571.4, NM_001167945.2, NM_201572.4 and 1 more transcripts); c.121-3_121-2insTGT (NM_201593.3, NM_201597.3).
Identifiers: ClinVar variation 1284636 (VCV001284636.31), dbSNP rs769211879, ClinGen allele CA5429411.
Genomic context (GRCh38, chr10:18,150,879, plus strand): 5'-ATTCCTGTTAAAGGGTCTCATAATAATCTTATTTGTCTTTTTTTTTTTTTTTTTTTTTTT[T>TTTG]TAGTCATATGGAAAAGGAGCCAGAAGGAAAAACAGATTTAAAGGATCTGATGGAAGCACG-3'